The following is an entry in ClinVar:

NM_001134673.4(NFIA):c.662G>A (p.Gly221Asp)

Gene: NFIA (nuclear factor I A; plus strand). Cytogenetic location: 1p31.3.
Variant type: single nucleotide variant.
Coding change: c.662G>A on transcript NM_001134673.4 (MANE Select); coding-DNA position 662, G replaced by A.
Protein change: p.Gly221Asp; replaces glycine 221 with aspartic acid.
Molecular consequence: missense variant.
Genome position (GRCh38, 1-based): chr1:61,332,548, G>A. VCF-style: chr1-61332548-G-A. GRCh37 (hg19) VCF-style: chr1-61798220-G-A.
Other names: c.662G>A, p.Gly221Asp (NM_005595.5); c.638G>A, p.Gly213Asp (NM_001145511.2); c.797G>A, p.Gly266Asp (NM_001145512.2); short protein forms G213D, G221D, G266D.
Identifiers: ClinVar variation 4687059 (VCV004687059.1).

ClinVar aggregate classification (germline): Uncertain significance (1 of 4 stars; one submission).

gnomAD v4.1: 12 of 1,613,834 alleles (0.00074%); highest among the groups gnomAD compares: African/African-American, 0.0013%; no homozygotes.

Submission:

GeneDx
Classification: Uncertain significance. Last evaluated: 2025-07-23. Review status: criteria provided, single submitter. Criteria: GeneDx Variant Classification Process June 2021. Collection method: clinical testing. Allele origin: germline. Affected: yes.
Comment: Not observed at significant frequency in large population cohorts (gnomAD); In silico analysis supports that this missense variant has a deleterious effect on protein structure/function; Has not been previously published as pathogenic or benign to our knowledge